The following is an entry in ClinVar:

ClinVar aggregate classification (germline): Benign (1 of 4 stars; one submission).

Conditions:
Familial colorectal cancer type X. Identifiers: Orphanet 440437, MedGen C3896578, MONDO:0018604.

Submission:

Myriad Genetics, Inc.
Classification: Benign for Familial colorectal cancer type X. Last evaluated: 2026-08-04. Review status: criteria provided, single submitter. Criteria: Myriad Autosomal Dominant, Autosomal Recessive and X-Linked Classification Criteria (2023). Collection method: clinical testing. Allele origin: unknown.
Comment: This variant is considered benign. This variant is a silent/synonymous amino acid change and it is not expected to impact splicing.

NM_001146227.3(RPS20):c.399A>G (p.Val133=)

Gene: RPS20 (ribosomal protein S20; minus strand). Cytogenetic location: 8q12.1.
Variant type: single nucleotide variant.
Coding change: c.399A>G on transcript NM_001146227.3; coding-DNA position 399, A replaced by G.
Protein change: p.Val133=; no amino-acid change (valine 133 retained).
Molecular consequence: synonymous variant.
Genome position (GRCh38, 1-based): chr8:56,069,768, T>C on the plus strand (A>G on the coding strand, the complement: RPS20 is on the minus strand). VCF-style: chr8-56069768-T-C. GRCh37 (hg19) VCF-style: chr8-56982327-T-C.
Identifiers: ClinVar variation 5042413 (VCV005042413.1).